The following is an entry in ClinVar:

NM_001253697.2(ERBIN):c.1899A>T (p.Lys633Asn)

Gene: ERBIN (erbb2 interacting protein; plus strand). Cytogenetic location: 5q12.3.
Variant type: single nucleotide variant.
Coding change: c.1899A>T on transcript NM_001253697.2 (MANE Select); coding-DNA position 1899, A replaced by T.
Protein change: p.Lys633Asn; replaces lysine 633 with asparagine.
Molecular consequence: missense variant.
Genome position (GRCh38, 1-based): chr5:66,048,777, A>T. VCF-style: chr5-66048777-A-T. GRCh37 (hg19) VCF-style: chr5-65344605-A-T.
Other names: c.1899A>T, p.Lys633Asn (NM_001006600.3, NM_001253698.2, NM_001253699.2 and 1 more transcripts); c.1887A>T, p.Lys629Asn (NM_001253701.2); short protein forms K629N, K633N.
Identifiers: ClinVar variation 3660089 (VCV003660089.2).

ClinVar aggregate classification (germline): Uncertain significance (1 of 4 stars; one submission).

Submission:

Labcorp Genetics (formerly Invitae), Labcorp
Classification: Uncertain significance. Last evaluated: 2024-10-10. Review status: criteria provided, single submitter. Criteria: Invitae Variant Classification Sherloc (09022015). Collection method: clinical testing. Allele origin: germline.
Comment: This sequence change replaces lysine, which is basic and polar, with asparagine, which is neutral and polar, at codon 633 of the ERBIN protein (p.Lys633Asn). This variant is not present in population databases (gnomAD no frequency). This variant has not been reported in the literature in individuals affected with ERBIN-related conditions. An algorithm developed to predict the effect of missense changes on protein structure and function (PolyPhen-2) suggests that this variant is likely to be disruptive. In summary, the available evidence is currently insufficient to determine the role of this variant in disease. Therefore, it has been classified as a Variant of Uncertain Significance.